The following is an entry in ClinVar:

NM_015512.5(DNAH1):c.9083A>G (p.Lys3028Arg)

Gene: DNAH1 (dynein axonemal heavy chain 1; plus strand). Cytogenetic location: 3p21.1.
Variant type: single nucleotide variant.
Coding change: c.9083A>G on transcript NM_015512.5 (MANE Select); coding-DNA position 9083, A replaced by G.
Protein change: p.Lys3028Arg; replaces lysine 3028 with arginine.
Molecular consequence: missense variant.
Genome position (GRCh38, 1-based): chr3:52,388,246, A>G. VCF-style: chr3-52388246-A-G. GRCh37 (hg19) VCF-style: chr3-52422262-A-G.
Other names: c.9083A>G (NM_015512.4); short protein forms K3028R.
Identifiers: ClinVar variation 1433794 (VCV001433794.9), dbSNP rs1704196167, ClinGen allele CA353194384.
Genomic context (GRCh38, chr3:52,388,246, plus strand): 5'-TGATCAAAGCCATCCAGCCGTACATCGATAATGAAGAGTTCCAGCCAGCCACCATTGCCA[A>G]GGTGTCCAAGGCTTGCACCTCCATCTGCCAGTGGGTGCGCGCCATGCACAAGTACCACTT-3'
Protein context (NP_056327.4, residues 3018-3038): NEEFQPATIA[Lys3028Arg]VSKACTSICQ

ClinVar aggregate classification (germline): Uncertain significance. Review status: criteria provided, multiple submitters, no conflicts (2 of 4 stars). 2 submissions from 2 submitters: Uncertain significance (2). Last evaluated 2024-10-11.

Conditions:
Ciliary dyskinesia, primary, 37 (CILD37). Also called: CILIARY DYSKINESIA, PRIMARY, 37, WITH OR WITHOUT SITUS INVERSUS. Identifiers: MedGen C4539798, MONDO:0033204, OMIM 617577.
Spermatogenic failure 18. Identifiers: MedGen C4539783, MONDO:0054615, OMIM 617576.

Allele frequency attached by ClinVar (database versions not stated): gnomAD exomes below 0.00001.
gnomAD v4.1: 4 of 1,605,376 alleles (0.00025%); highest among the groups gnomAD compares: East Asian, 0.0022%; no homozygotes.

Submissions (2):

Labcorp Genetics (formerly Invitae), Labcorp
Classification: Uncertain significance for Ciliary dyskinesia, primary, 37; Spermatogenic failure 18. Last evaluated: 2024-10-11. Review status: criteria provided, single submitter. Criteria: Invitae Variant Classification Sherloc (09022015). Collection method: clinical testing. Allele origin: germline.
Comment: This sequence change replaces lysine, which is basic and polar, with arginine, which is basic and polar, at codon 3028 of the DNAH1 protein (p.Lys3028Arg). This variant is not present in population databases (gnomAD no frequency). This variant has not been reported in the literature in individuals affected with DNAH1-related conditions. ClinVar contains an entry for this variant (Variation ID: 1433794). Invitae Evidence Modeling of protein sequence and biophysical properties (such as structural, functional, and spatial information, amino acid conservation, physicochemical variation, residue mobility, and thermodynamic stability) indicates that this missense variant is not expected to disrupt DNAH1 protein function with a negative predictive value of 80%. In summary, the available evidence is currently insufficient to determine the role of this variant in disease. Therefore, it has been classified as a Variant of Uncertain Significance.

Ambry Genetics
Classification: Uncertain significance. Last evaluated: 2021-06-18. Review status: criteria provided, single submitter. Criteria: Ambry Variant Classification Scheme 2023. Collection method: clinical testing. Allele origin: germline.